The following is an entry in ClinVar:

ClinVar aggregate classification (germline): Uncertain significance. Review status: criteria provided, multiple submitters, no conflicts (2 of 4 stars). 3 submissions from 3 submitters: Uncertain significance (3). Last evaluated 2023-11-22.

Conditions:
IgE responsiveness, atopic. Also called: IMMUNOGLOBULIN E, BASIC LEVEL OF, IN SERUM. Identifiers: MedGen C1840253, MONDO:0007817, OMIM 147050.
Cryptosporidiosis-chronic cholangitis-liver disease syndrome. Also called: Immunodeficiency type 56; IL21R immunodeficiency. Identifiers: Orphanet 357329, MedGen C3554687, MONDO:0014082, OMIM 615207.
Inborn genetic diseases. Identifiers: MedGen C0950123, MeSH D030342.

Allele frequency attached by ClinVar (database versions not stated): gnomAD exomes 0.00003 and 0.00005; gnomAD 0.00007; ExAC 0.00008; TOPMed 0.00008.
gnomAD v4.1: 58 of 1,613,010 alleles (0.0036%); highest among the groups gnomAD compares: African/African-American, 0.015%; no homozygotes.

Submissions (3):

Ambry Genetics
Classification: Uncertain significance for Inborn genetic diseases. Last evaluated: 2023-11-22. Review status: criteria provided, single submitter. Criteria: Ambry Variant Classification Scheme 2023. Collection method: clinical testing. Allele origin: germline.

Labcorp Genetics (formerly Invitae), Labcorp
Classification: Uncertain significance for Cryptosporidiosis-chronic cholangitis-liver disease syndrome. Last evaluated: 2022-08-16. Review status: criteria provided, single submitter. Criteria: Invitae Variant Classification Sherloc (09022015). Collection method: clinical testing. Allele origin: germline.
Comment: This sequence change replaces threonine, which is neutral and polar, with methionine, which is neutral and non-polar, at codon 332 of the IL21R protein (p.Thr332Met). This variant is present in population databases (rs761814669, gnomAD 0.01%). This variant has not been reported in the literature in individuals affected with IL21R-related conditions. ClinVar contains an entry for this variant (Variation ID: 1478986). Algorithms developed to predict the effect of missense changes on protein structure and function output the following: SIFT: "Deleterious"; PolyPhen-2: "Benign"; Align-GVGD: "Class C0". The methionine amino acid residue is found in multiple mammalian species, which suggests that this missense change does not adversely affect protein function. In summary, the available evidence is currently insufficient to determine the role of this variant in disease. Therefore, it has been classified as a Variant of Uncertain Significance.

Center for Genomics, Ann and Robert H. Lurie Children's Hospital of Chicago
Classification: Uncertain significance for IgE responsiveness, atopic; Cryptosporidiosis-chronic cholangitis-liver disease syndrome. Review status: criteria provided, single submitter. Criteria: ACMG Guidelines, 2015. Collection method: clinical testing. Allele origin: germline.
Comment: IL21R NM_181079 exon 10 p.Thr354Met (c.1061C>T): This variant has not been reported in the literature but is present in 7/125266 European alleles in the Genome Aggregation Database. Evolutionary conservation and computational predictive tools suggest that this variant may not impact the protein. In summary, data on this variant is insufficient for disease classification. Therefore, the clinical significance of this variant is uncertain.

NM_181078.3(IL21R):c.995C>T (p.Thr332Met)

Genes: IL21R (interleukin 21 receptor; plus strand), IL21R-AS1 (IL21R antisense RNA 1; minus strand), LOC130058712 (ATAC-STARR-seq lymphoblastoid active region 10626; plus strand). Cytogenetic location: 16p12.1.
Variant type: single nucleotide variant.
Coding change: c.995C>T on transcript NM_181078.3 (MANE Select); coding-DNA position 995, C replaced by T.
Protein change: p.Thr332Met; replaces threonine 332 with methionine.
Molecular consequence: missense variant. On other transcripts: non-coding transcript variant (1).
Genome position (GRCh38, 1-based): chr16:27,448,661, C>T. VCF-style: chr16-27448661-C-T. GRCh37 (hg19) VCF-style: chr16-27459982-C-T.
Other names: c.995C>T, p.Thr332Met (NM_021798.4); c.1061C>T, p.Thr354Met (NM_181079.5); c.1061C>T (NM_181079.4); short protein forms T332M, T354M.
Identifiers: ClinVar variation 1478986 (VCV001478986.8), dbSNP rs761814669, ClinGen allele CA7975130.